The following is an entry in ClinVar:

ClinVar aggregate classification (germline): Uncertain significance. Review status: criteria provided, multiple submitters, no conflicts (2 of 4 stars). 2 submissions from 2 submitters: Uncertain significance (2). Last evaluated 2024-08-10.

Conditions:
Al-Gazali syndrome. Also called: Al Gazali Al Talabani syndrome; Eye defects arachnodactyly cardiopathy. Identifiers: MedGen C1836121, MONDO:0012282, OMIM 609465.
Ehlers-Danlos syndrome, spondylodysplastic type, 2 (EDSSPD2). Also called: Ehlers-Danlos syndrome, progeroid type, 2. Identifiers: Orphanet 536467, Orphanet 75496, MedGen C3809210, MONDO:0014139, OMIM 615349.
Spondyloepimetaphyseal dysplasia with joint laxity, type 1, with or without fractures (SEMDJL1). Also called: SPONDYLOEPIMETAPHYSEAL DYSPLASIA WITH JOINT LAXITY, TYPE 1. Identifiers: Orphanet 642099, Orphanet 93359, MedGen C4017377, MONDO:0010075, OMIM 271640.

Submissions (2):

GeneDx
Classification: Uncertain significance. Last evaluated: 2024-08-10. Review status: criteria provided, single submitter. Criteria: GeneDx Variant Classification Process June 2021. Collection method: clinical testing. Allele origin: germline. Affected: yes.
Comment: Not observed at significant frequency in large population cohorts (gnomAD); In-frame duplication of 1 amino acids in a non-repeat region; Has not been previously published as pathogenic or benign to our knowledge

Juno Genomics, Hangzhou Juno Genomics, Inc
Classification: Uncertain significance for Spondyloepimetaphyseal dysplasia with joint laxity, type 1, with or without fractures; Al-Gazali syndrome; Ehlers-Danlos syndrome, spondylodysplastic type, 2. Review status: criteria provided, single submitter. Criteria: ACMG Guidelines, 2015. Collection method: clinical testing. Allele origin: germline.
Comment: Absent from controls (or at extremely low frequency if recessive) in Genome Aggregation Database.;Protein length changes due to in-frame deletions/insertions in a non-repeat region or stop-loss variants.

NM_080605.4(B3GALT6):c.25CGG[4] (p.Arg11_Ala12insArg)

Gene: B3GALT6 (beta-1,3-galactosyltransferase 6; plus strand). Cytogenetic location: 1p36.33.
Variant type: Microsatellite.
Coding change: c.25CGG[4] on transcript NM_080605.4 (MANE Select); four copies in a row of the 3-base unit CGG starting at c.25; the reference has three copies in a row; one copy, 3 bases duplicated; also written c.31_33dup.
Protein change: p.Arg11_Ala12insArg.
Molecular consequence: inframe insertion.
Genome position (GRCh38, 1-based): chr1:1,232,309-1,232,311, CGG duplicated; duplicating any 3 consecutive bases within chr1:1,232,301-1,232,311 gives the same sequence; the position shown is the placement nearest the transcript's 3' end. VCF-style (leftmost placement, unchanged base first): chr1-1232300-T-TGGC. GRCh37 (hg19) VCF-style: chr1-1167680-T-TGGC.
Other names: c.31_33dup (NM_080605.4).
Identifiers: ClinVar variation 3602810 (VCV003602810.3).